The following is an entry in ClinVar:

NM_001130009.3(GEN1):c.828T>G (p.Asn276Lys)

Gene: GEN1 (GEN1 Holliday junction 5' flap endonuclease; plus strand). Cytogenetic location: 2p24.2.
Variant type: single nucleotide variant.
Coding change: c.828T>G on transcript NM_001130009.3 (MANE Select); coding-DNA position 828, T replaced by G.
Protein change: p.Asn276Lys; replaces asparagine 276 with lysine.
Molecular consequence: missense variant.
Genome position (GRCh38, 1-based): chr2:17,772,659, T>G. VCF-style: chr2-17772659-T-G. GRCh37 (hg19) VCF-style: chr2-17953926-T-G.
Other names: c.828T>G, p.Asn276Lys (NM_182625.5); short protein forms N276K.
Identifiers: ClinVar variation 4029150 (VCV004029150.1).

ClinVar aggregate classification (germline): Uncertain significance (1 of 4 stars; one submission).

Submission:

Ambry Genetics
Classification: Uncertain significance. Last evaluated: 2025-03-16. Review status: criteria provided, single submitter. Criteria: Ambry Variant Classification Scheme 2023. Collection method: clinical testing. Allele origin: germline.
Comment: The p.N276K variant (also known as c.828T>G), located in coding exon 7 of the GEN1 gene, results from a T to G substitution at nucleotide position 828. The asparagine at codon 276 is replaced by lysine, an amino acid with similar properties. This amino acid position is conserved. In addition, this alteration is predicted to be tolerated by in silico analysis. Based on the available evidence, the clinical significance of this variant remains unclear.